The following is an entry in ClinVar:

ClinVar aggregate classification (germline): Pathogenic/Likely pathogenic. Review status: criteria provided, multiple submitters, no conflicts (2 of 4 stars). 10 submissions from 9 submitters: Pathogenic (4); Likely pathogenic (4). 2 of the submissions do not count toward it. Last evaluated 2024-07-28.

Conditions:
Rare genetic deafness. Identifiers: Orphanet 96210, MedGen C5680250.
USH2A-related disorder. Also called: USH2A-related condition; USH2A-related disorders. Identifiers: MedGen CN239332.
Usher syndrome. Also called: Usher Syndromes; Usher's syndrome. Identifiers: Orphanet 886, MedGen CN469326, MeSH D052245, MONDO:0019501. Disease mechanism: loss of function.
Retinal dystrophy. Also called: Inherited retinal dystrophy. Identifiers: Orphanet 71862, MedGen C0854723, MeSH D058499, MONDO:0019118, HP:0000556.
Usher syndrome type 2A. Also called: USHER SYNDROME, TYPE IIA; RETINAL DISEASE IN USHER SYNDROME TYPE IIA, MODIFIER OF. Identifiers: Orphanet 231178, Orphanet 886, MedGen C1848634, MONDO:0010169, OMIM 276901.
Retinitis pigmentosa 39 (RP39). Identifiers: Orphanet 791, MedGen C3151138, MONDO:0013436, OMIM 613809.

Allele frequency attached by ClinVar (database versions not stated): gnomAD exomes below 0.00001; gnomAD 0.00001; TOPMed 0.00001.
gnomAD v4.1: 2 of 1,614,028 alleles (0.00012%); highest among the groups gnomAD compares: African/African-American, 0.0027%; no homozygotes.

Submissions (10):

Natera, Inc.
Classification: Likely pathogenic for Usher syndrome type 2A. Last evaluated: 2024-07-28. Review status: criteria provided, single submitter. Criteria: Natera Variant Classification Schema (03/2026). Collection method: clinical testing. Allele origin: germline.
Comment: The c.11954G>A variant in USH2A is a nonsense variant predicted to introduce a stop codon at amino acid 3985. This variant is expected to result in nonsense mediated decay, truncation, or a dysfunctional protein product. This variant is rare in the general population with a frequency below the threshold expected for the associated phenotype(s). Given the available evidence, this variant is classified as Likely Pathogenic.

Labcorp Genetics (formerly Invitae), Labcorp
Classification: Pathogenic. Last evaluated: 2023-12-11. Review status: criteria provided, single submitter. Criteria: Invitae Variant Classification Sherloc (09022015). Collection method: clinical testing. Allele origin: germline.
Comment: This sequence change creates a premature translational stop signal (p.Trp3985*) in the USH2A gene. It is expected to result in an absent or disrupted protein product. Loss-of-function variants in USH2A are known to be pathogenic (PMID: 10729113, 10909849, 20507924, 25649381). This variant is not present in population databases (gnomAD no frequency). This variant has not been reported in the literature in individuals affected with USH2A-related conditions. ClinVar contains an entry for this variant (Variation ID: 48388). For these reasons, this variant has been classified as Pathogenic.

Baylor Genetics
Classification: Pathogenic for Retinitis pigmentosa 39. Last evaluated: 2023-12-01. Review status: criteria provided, single submitter. Criteria: ACMG Guidelines, 2015. Collection method: clinical testing. Allele origin: unknown.

Genome-Nilou Lab
Classification: Likely pathogenic for Retinitis pigmentosa 39. Last evaluated: 2023-11-04. Review status: criteria provided, single submitter. Criteria: ACMG Guidelines, 2015. Collection method: clinical testing. Allele origin: germline. Affected: no.

Genome-Nilou Lab
Classification: Likely pathogenic for Usher syndrome type 2A. Last evaluated: 2023-11-04. Review status: criteria provided, single submitter. Criteria: ACMG Guidelines, 2015. Collection method: clinical testing. Allele origin: germline. Affected: no.

Women's Health and Genetics/Laboratory Corporation of America, LabCorp
Classification: Likely pathogenic for Usher syndrome. Last evaluated: 2023-03-17. Review status: criteria provided, single submitter. Criteria: LabCorp Variant Classification Summary - May 2015. Collection method: clinical testing. Allele origin: germline.
Comment: Variant summary: USH2A c.11954G>A (p.Trp3985X) results in a premature termination codon, predicted to cause a truncation of the encoded protein or absence of the protein due to nonsense mediated decay, which are commonly known mechanisms for disease. Truncations downstream of this position have been classified as pathogenic by our laboratory. The variant was absent in 251330 control chromosomes (gnomAD). To our knowledge, no occurrence of c.11954G>A in individuals affected with Usher Syndrome and no experimental evidence demonstrating its impact on protein function have been reported. Three clinical diagnostic laboratories have submitted clinical-significance assessments for this variant to ClinVar after 2014 and all classified the variant as pathogenic/likely pathogenic. Based on the evidence outlined above, the variant was classified as likely pathogenic.

Blueprint Genetics
Classification: Pathogenic for USH2A-related disorders. Last evaluated: 2020-10-23. Review status: criteria provided, single submitter. Criteria: ACMG Guidelines, 2015. Collection method: clinical testing. Allele origin: germline. Affected: yes. Observed: 3 variant alleles.

Laboratory for Molecular Medicine, Mass General Brigham Personalized Medicine
Classification: Pathogenic for Rare genetic deafness. Last evaluated: 2011-06-21. Review status: criteria provided, single submitter. Criteria: LMM Criteria. Collection method: clinical testing. Allele origin: germline. Inheritance: Autosomal recessive inheritance. Observed: 1 variant allele.
Comment: The Trp3985X variant in USH2A has not been reported in the literature nor previo usly identified by our laboratory. The Trp3985X variant leads to a premature sto p codon at position 3985, which is predicted to lead to a truncated or absent pr otein. In summary, this variant meets our criteria to be classified as pathogeni c.

Institute of Human Genetics, Univ. Regensburg, Univ. Regensburg
Classification: Pathogenic for Retinal dystrophy. Last evaluated: 2020-01-01. Review status: no assertion criteria provided. Criteria: ACMG Guidelines, 2015. Collection method: clinical testing. Allele origin: germline. Affected: yes. Not counted in ClinVar's aggregate classification.

Counsyl
Classification: Likely pathogenic for Usher syndrome type 2A; Retinitis pigmentosa 39. Last evaluated: 2017-09-15. Review status: no assertion criteria provided. Collection method: clinical testing. Allele origin: unknown. Not counted in ClinVar's aggregate classification.

Literature cited by the submitters: PubMed 10729113 (cited by Labcorp Genetics (formerly Invitae), Labcorp); PubMed 10909849 (cited by Labcorp Genetics (formerly Invitae), Labcorp); PubMed 20507924 (cited by Labcorp Genetics (formerly Invitae), Labcorp); PubMed 25649381 (cited by Labcorp Genetics (formerly Invitae), Labcorp).

NM_206933.4(USH2A):c.11954G>A (p.Trp3985Ter)

Gene: USH2A (usherin; minus strand). Cytogenetic location: 1q41.
Variant type: single nucleotide variant.
Coding change: c.11954G>A on transcript NM_206933.4 (MANE Select); coding-DNA position 11954, G replaced by A.
Protein change: p.Trp3985Ter; replaces tryptophan 3985 with a stop codon.
Molecular consequence: nonsense.
Genome position (GRCh38, 1-based): chr1:215,728,142, C>T on the plus strand (G>A on the coding strand, the complement: USH2A is on the minus strand). VCF-style: chr1-215728142-C-T. GRCh37 (hg19) VCF-style: chr1-215901484-C-T.
Other names: short protein forms W3985*.
Identifiers: ClinVar variation 48388 (VCV000048388.19), dbSNP rs397517976, ClinGen allele CA262070.